The following is an entry in ClinVar:

ClinVar aggregate classification (germline): Likely pathogenic. Review status: criteria provided, multiple submitters, no conflicts (2 of 4 stars). 2 submissions from 2 submitters: Likely pathogenic (2). Last evaluated 2023-12-12.

Conditions:
Xeroderma pigmentosum, group C (XPC). Also called: Xeroderma pigmentosum, complementation group C; XPC-Related Xeroderma Pigmentosum; XERODERMA PIGMENTOSUM III; XP, GROUP C. Identifiers: Orphanet 910, MedGen C2752147, MONDO:0010211, OMIM 278720.

Submissions (2):

Baylor Genetics
Classification: Likely pathogenic for Xeroderma pigmentosum, group C. Last evaluated: 2023-12-12. Review status: criteria provided, single submitter. Criteria: ACMG Guidelines, 2015. Collection method: clinical testing. Allele origin: unknown.

Labcorp Genetics (formerly Invitae), Labcorp
Classification: Likely pathogenic. Last evaluated: 2023-08-20. Review status: criteria provided, single submitter. Criteria: Invitae Variant Classification Sherloc (09022015). Collection method: clinical testing. Allele origin: germline.
Comment: In summary, the currently available evidence indicates that the variant is pathogenic, but additional data are needed to prove that conclusively. Therefore, this variant has been classified as Likely Pathogenic. Algorithms developed to predict the effect of sequence changes on RNA splicing suggest that this variant may disrupt the consensus splice site. This variant has not been reported in the literature in individuals affected with XPC-related conditions. This variant is not present in population databases (gnomAD no frequency). This sequence change affects an acceptor splice site in intron 8 of the XPC gene. It is expected to disrupt RNA splicing. Variants that disrupt the donor or acceptor splice site typically lead to a loss of protein function (PMID: 16199547), and loss-of-function variants in XPC are known to be pathogenic (PMID: 23173980, 25256075).

Literature cited by the submitters: PubMed 16199547 (cited by Labcorp Genetics (formerly Invitae), Labcorp); PubMed 23173980 (cited by Labcorp Genetics (formerly Invitae), Labcorp); PubMed 25256075 (cited by Labcorp Genetics (formerly Invitae), Labcorp).

NM_004628.5(XPC):c.991-2A>C

Gene: XPC (XPC complex subunit, DNA damage recognition and repair factor; minus strand). Cytogenetic location: 3p25.1.
Variant type: single nucleotide variant.
Coding change: c.991-2A>C on transcript NM_004628.5 (MANE Select); the canonical splice acceptor site of the intron before coding-DNA position 991, A replaced by C.
Molecular consequence: splice acceptor variant.
Genome position (GRCh38, 1-based): chr3:14,158,894, T>G on the plus strand (A>C on the coding strand, the complement: XPC is on the minus strand). VCF-style: chr3-14158894-T-G. GRCh37 (hg19) VCF-style: chr3-14200394-T-G.
Other names: c.973-2A>C (NM_001354729.2); c.412-2A>C (NM_001354726.2); c.991-2A>C (NM_001354730.2, NM_001354727.2).
Identifiers: ClinVar variation 2732875 (VCV002732875.4), dbSNP rs1553605894, ClinGen allele CA351541327.